The following is an entry in ClinVar:

NM_006383.4(CIB2):c.40_47del (p.Asp14fs)

Genes: CIB2 (calcium and integrin binding family member 2; minus strand), LOC130057683 (ATAC-STARR-seq lymphoblastoid silent region 6705; plus strand). Cytogenetic location: 15q25.1.
Variant type: Deletion.
Coding change: c.40_47del on transcript NM_006383.4 (MANE Select); coding-DNA positions 40 to 47, 8 bases deleted (GACAACTA; older notation c.40_47delGACAACTA).
Protein change: p.Asp14fs; shifts the reading frame from aspartic acid 14.
Molecular consequence: frameshift variant. On other transcripts: 5 prime UTR variant (1), non-coding transcript variant (1).
Genome position (GRCh38, 1-based): chr15:78,131,169-78,131,176, TAGTTGTC deleted on the plus strand (GACAACTA on the coding strand, the reverse complement: CIB2 is on the minus strand); deleting any 8 consecutive bases within chr15:78,131,169-78,131,179 gives the same sequence; the c. name uses the placement nearest the transcript's 3' end. VCF-style (leftmost placement, unchanged base first): chr15-78131168-GTAGTTGTC-G. GRCh37 (hg19) VCF-style: chr15-78423510-GTAGTTGTC-G.
Other names: c.-55_-48del (NM_001271888.2); c.40_47del, p.Asp14fs (NM_001271889.2, NM_001301224.2); short protein forms D14fs.
Identifiers: ClinVar variation 1420092 (VCV001420092.6), dbSNP rs2141925983, ClinGen allele CA2573151190.

ClinVar aggregate classification (germline): Pathogenic (1 of 4 stars; one submission).

Submission:

Labcorp Genetics (formerly Invitae), Labcorp
Classification: Pathogenic. Last evaluated: 2022-01-19. Review status: criteria provided, single submitter. Criteria: Invitae Variant Classification Sherloc (09022015). Collection method: clinical testing. Allele origin: germline.
Comment: For these reasons, this variant has been classified as Pathogenic. This variant has not been reported in the literature in individuals affected with CIB2-related conditions. This variant is not present in population databases (gnomAD no frequency). This sequence change creates a premature translational stop signal (p.Asp14Profs*8) in the CIB2 gene. It is expected to result in an absent or disrupted protein product. Loss-of-function variants in CIB2 are known to be pathogenic (PMID: 26173970, 26226137, 26445815).

Literature cited by the submitters: PubMed 26173970; PubMed 26226137; PubMed 26445815.